The following is an entry in ClinVar:

ClinVar aggregate classification (germline): Uncertain significance (1 of 4 stars; one submission).

Submission:

Labcorp Genetics (formerly Invitae), Labcorp
Classification: Uncertain significance. Last evaluated: 2021-06-22. Review status: criteria provided, single submitter. Criteria: Invitae Variant Classification Sherloc (09022015). Collection method: clinical testing. Allele origin: germline.
Comment: In summary, the available evidence is currently insufficient to determine the role of this variant in disease. Therefore, it has been classified as a Variant of Uncertain Significance. Algorithms developed to predict the effect of missense changes on protein structure and function are either unavailable or do not agree on the potential impact of this missense change (SIFT: "Deleterious"; PolyPhen-2: "Probably Damaging"; Align-GVGD: "Class C0"). This variant has not been reported in the literature in individuals with GUCY2C-related conditions. This variant is not present in population databases (ExAC no frequency). This sequence change replaces proline with alanine at codon 122 of the GUCY2C protein (p.Pro122Ala). The proline residue is highly conserved and there is a small physicochemical difference between proline and alanine.

NM_004963.4(GUCY2C):c.364C>G (p.Pro122Ala)

Genes: GUCY2C-AS1 (GUCY2C antisense RNA 1; plus strand), GUCY2C (guanylate cyclase 2C; minus strand). Cytogenetic location: 12p12.3.
Variant type: single nucleotide variant.
Coding change: c.364C>G on transcript NM_004963.4 (MANE Select); coding-DNA position 364, C replaced by G.
Protein change: p.Pro122Ala; replaces proline 122 with alanine.
Molecular consequence: missense variant.
Genome position (GRCh38, 1-based): chr12:14,686,192, G>C on the plus strand (C>G on the coding strand, the complement: GUCY2C is on the minus strand). VCF-style: chr12-14686192-G-C. GRCh37 (hg19) VCF-style: chr12-14839126-G-C.
Other names: short protein forms P122A.
Identifiers: ClinVar variation 1485933 (VCV001485933.8), dbSNP rs1948466346, ClinGen allele CA384006854.